The following is an entry in ClinVar:

ClinVar aggregate classification (germline): Uncertain significance. Review status: criteria provided, multiple submitters, no conflicts (2 of 4 stars). 2 submissions from 2 submitters: Uncertain significance (2). Last evaluated 2023-08-17.

Conditions:
Warburg micro syndrome 2 (WARBM2). Also called: MICRO SYNDROME 2. Identifiers: Orphanet 2510, MedGen C3280214, MONDO:0013641, OMIM 614225.
Martsolf syndrome (MARTS). Also called: Congenital cataract with intellectual disability and hypogonadotropic hypogonadism syndrome. Identifiers: Orphanet 1387, MedGen C0796037, MONDO:0023910.

Allele frequency attached by ClinVar (database versions not stated): ExAC 0.00001; gnomAD 0.00001; gnomAD exomes 0.00001 and 0.00003; TOPMed 0.00001.
gnomAD v4.1: 41 of 1,614,052 alleles (0.0025%); highest among the groups gnomAD compares: South Asian, 0.0044%; no homozygotes.

Submissions (2):

Labcorp Genetics (formerly Invitae), Labcorp
Classification: Uncertain significance for Martsolf syndrome; Warburg micro syndrome 2. Last evaluated: 2023-08-17. Review status: criteria provided, single submitter. Criteria: Invitae Variant Classification Sherloc (09022015). Collection method: clinical testing. Allele origin: germline.
Comment: In summary, the available evidence is currently insufficient to determine the role of this variant in disease. Therefore, it has been classified as a Variant of Uncertain Significance. Advanced modeling of protein sequence and biophysical properties (such as structural, functional, and spatial information, amino acid conservation, physicochemical variation, residue mobility, and thermodynamic stability) performed at Invitae indicates that this missense variant is not expected to disrupt RAB3GAP2 protein function. ClinVar contains an entry for this variant (Variation ID: 463031). This variant has not been reported in the literature in individuals affected with RAB3GAP2-related conditions. This variant is present in population databases (rs778851334, gnomAD 0.0009%). This sequence change replaces valine, which is neutral and non-polar, with isoleucine, which is neutral and non-polar, at codon 1269 of the RAB3GAP2 protein (p.Val1269Ile).

GeneDx
Classification: Uncertain significance. Last evaluated: 2020-10-12. Review status: criteria provided, single submitter. Criteria: GeneDx Variant Classification Process June 2021. Collection method: clinical testing. Allele origin: germline. Affected: yes.
Comment: Not observed at a significant frequency in large population cohorts (Lek et al., 2016); In silico analysis supports that this missense variant does not alter protein structure/function; Has not been previously published as pathogenic or benign to our knowledge

NM_012414.4(RAB3GAP2):c.3805G>A (p.Val1269Ile)

Gene: RAB3GAP2 (RAB3 GTPase activating non-catalytic protein subunit 2; minus strand). Cytogenetic location: 1q41.
Variant type: single nucleotide variant.
Coding change: c.3805G>A on transcript NM_012414.4 (MANE Select); coding-DNA position 3805, G replaced by A.
Protein change: p.Val1269Ile; replaces valine 1269 with isoleucine.
Molecular consequence: missense variant.
Genome position (GRCh38, 1-based): chr1:220,153,247, C>T on the plus strand (G>A on the coding strand, the complement: RAB3GAP2 is on the minus strand). VCF-style: chr1-220153247-C-T. GRCh37 (hg19) VCF-style: chr1-220326589-C-T.
Other names: short protein forms V1269I.
Identifiers: ClinVar variation 463031 (VCV000463031.10), dbSNP rs778851334, ClinGen allele CA1402041.